The following is an entry in ClinVar:

NM_003738.5(PTCH2):c.3284T>C (p.Leu1095Pro)

Gene: PTCH2 (patched 2; minus strand). Cytogenetic location: 1p34.1.
Variant type: single nucleotide variant.
Coding change: c.3284T>C on transcript NM_003738.5 (MANE Select); coding-DNA position 3284, T replaced by C.
Protein change: p.Leu1095Pro; replaces leucine 1095 with proline.
Molecular consequence: missense variant.
Genome position (GRCh38, 1-based): chr1:44,823,142, A>G on the plus strand (T>C on the coding strand, the complement: PTCH2 is on the minus strand). VCF-style: chr1-44823142-A-G. GRCh37 (hg19) VCF-style: chr1-45288814-A-G.
Other names: c.3284T>C, p.Leu1095Pro (NM_001166292.2); short protein forms L1095P.
Identifiers: ClinVar variation 949505 (VCV000949505.10), dbSNP rs1379984001, ClinGen allele CA340106090.

ClinVar aggregate classification (germline): Uncertain significance (1 of 4 stars; one submission).

Conditions:
Gorlin syndrome. Also called: Basal cell nevus syndrome; Nevoid Basal Cell Carcinoma Syndrome. Identifiers: Orphanet 377, MedGen C0004779, MONDO:0007187.

Submission:

Labcorp Genetics (formerly Invitae), Labcorp
Classification: Uncertain significance for Gorlin syndrome. Last evaluated: 2019-05-28. Review status: criteria provided, single submitter. Criteria: Invitae Variant Classification Sherloc (09022015). Collection method: clinical testing. Allele origin: germline.
Comment: In summary, the available evidence is currently insufficient to determine the role of this variant in disease. Therefore, it has been classified as a Variant of Uncertain Significance. Algorithms developed to predict the effect of missense changes on protein structure and function are either unavailable or do not agree on the potential impact of this missense change (SIFT: "Deleterious"; PolyPhen-2: "Probably Damaging"; Align-GVGD: "Class C0"). This variant has not been reported in the literature in individuals with PTCH2-related conditions. This variant is not present in population databases (ExAC no frequency). This sequence change replaces leucine with proline at codon 1095 of the PTCH2 protein (p.Leu1095Pro). The leucine residue is moderately conserved and there is a moderate physicochemical difference between leucine and proline.